The following is an entry in ClinVar:

ClinVar aggregate classification (germline): Uncertain significance. Review status: criteria provided, multiple submitters, no conflicts (2 of 4 stars). 6 submissions from 6 submitters: Uncertain significance (6). Last evaluated 2024-06-24.

Conditions:
Hereditary breast ovarian cancer syndrome. Also called: Hereditary breast and ovarian cancer syndrome (HBOC); BRCA1- and BRCA2-Associated Hereditary Breast and Ovarian Cancer; Hereditary breast and ovarian cancer syndrome; Breast and ovarian cancer; Hereditary breast and/or ovarian cancer syndrome; Hereditary breast and ovarian cancer. Identifiers: Orphanet 145, MedGen C0677776, MeSH D061325, MONDO:0003582. Disease mechanism: loss of function.
Familial cancer of breast. Also called: hereditary breast carcinoma; BREAST CANCER, FAMILIAL; Hereditary breast cancer. Identifiers: Orphanet 227535, MedGen C0346153, MONDO:0016419, OMIM 114480. Disease mechanism: loss of function.
Hereditary cancer-predisposing syndrome. Also called: Neoplastic Syndromes, Hereditary; Hereditary Cancer Syndrome; Hereditary neoplastic syndrome; Tumor predisposition. Identifiers: Orphanet 140162, MedGen C0027672, MeSH D009386, MONDO:0015356.
Breast-ovarian cancer, familial, susceptibility to, 2 (BROVCA2). Also called: BRCA2 Hereditary Breast and Ovarian Cancer. Identifiers: Orphanet 145, MedGen C2675520, MONDO:0012933, OMIM 612555. Disease mechanism: loss of function.

Allele frequency attached by ClinVar (database versions not stated): gnomAD exomes below 0.00001; ExAC 0.00001; TOPMed 0.00001; ESP Exome Variant Server 0.00008.

Submissions (6):

GeneDx
Classification: Uncertain significance. Last evaluated: 2024-06-24. Review status: criteria provided, single submitter. Criteria: GeneDx Variant Classification Process June 2021. Collection method: clinical testing. Allele origin: germline. Affected: yes.
Comment: Not observed at significant frequency in large population cohorts (gnomAD); In silico analysis indicates that this missense variant does not alter protein structure/function; Observed in an individual undergoing whole genome sequencing (PMID: 33726816); Also known as 7907T>C; This variant is associated with the following publications: (PMID: 28431939, 33726816)

Labcorp Genetics (formerly Invitae), Labcorp
Classification: Uncertain significance for Hereditary breast ovarian cancer syndrome. Last evaluated: 2024-05-28. Review status: criteria provided, single submitter. Criteria: Invitae Variant Classification Sherloc (09022015). Collection method: clinical testing. Allele origin: germline.
Comment: This sequence change replaces phenylalanine, which is neutral and non-polar, with serine, which is neutral and polar, at codon 2560 of the BRCA2 protein (p.Phe2560Ser). This variant is not present in population databases (gnomAD no frequency). This variant has not been reported in the literature in individuals affected with BRCA2-related conditions. ClinVar contains an entry for this variant (Variation ID: 827190). Advanced modeling of protein sequence and biophysical properties (such as structural, functional, and spatial information, amino acid conservation, physicochemical variation, residue mobility, and thermodynamic stability) has been performed at Invitae for this missense variant, however the output from this modeling did not meet the statistical confidence thresholds required to predict the impact of this variant on BRCA2 protein function. In summary, the available evidence is currently insufficient to determine the role of this variant in disease. Therefore, it has been classified as a Variant of Uncertain Significance.

Ambry Genetics
Classification: Uncertain significance for Hereditary cancer-predisposing syndrome. Last evaluated: 2024-01-16. Review status: criteria provided, single submitter. Criteria: Ambry Variant Classification Scheme 2023. Collection method: clinical testing. Allele origin: germline.
Comment: The p.F2560S variant (also known as c.7679T>C), located in coding exon 15 of the BRCA2 gene, results from a T to C substitution at nucleotide position 7679. The phenylalanine at codon 2560 is replaced by serine, an amino acid with highly dissimilar properties. This amino acid position is highly conserved in available vertebrate species. In addition, this alteration is predicted to be deleterious by in silico analysis. Since supporting evidence is limited at this time, the clinical significance of this alteration remains unclear.

Baylor Genetics
Classification: Uncertain significance for Familial cancer of breast. Last evaluated: 2023-10-16. Review status: criteria provided, single submitter. Criteria: ACMG Guidelines, 2015. Collection method: clinical testing. Allele origin: unknown.

Department of Pathology and Laboratory Medicine, Sinai Health System
Classification: Uncertain significance for Familial cancer of breast; Breast-ovarian cancer, familial, susceptibility to, 2. Last evaluated: 2020-11-23. Review status: criteria provided, single submitter. Criteria: ACMG Guidelines, 2015. Collection method: clinical testing. Allele origin: germline. Affected: yes.

Color Diagnostics, LLC DBA Color Health
Classification: Uncertain significance for Hereditary cancer-predisposing syndrome. Last evaluated: 2020-08-04. Review status: criteria provided, single submitter. Criteria: ACMG Guidelines, 2015. Collection method: clinical testing. Allele origin: germline.
Comment: This missense variant replaces phenylalanine with serine at codon 2560 of the BRCA2 protein. Computational prediction suggests that this variant may have deleterious impact on protein structure and function (internally defined REVEL score threshold >= 0.7, PMID: 27666373). To our knowledge, functional studies have not been reported for this variant. This variant has not been reported in individuals affected with hereditary cancer in the literature. This variant has been identified in 1/251294 chromosomes in the general population by the Genome Aggregation Database (gnomAD). The available evidence is insufficient to determine the role of this variant in disease conclusively. Therefore, this variant is classified as a Variant of Uncertain Significance.

NM_000059.4(BRCA2):c.7679T>C (p.Phe2560Ser)

Gene: BRCA2 (BRCA2 DNA repair associated; plus strand). Cytogenetic location: 13q13.1.
Variant type: single nucleotide variant.
Coding change: c.7679T>C on transcript NM_000059.4 (MANE Select); coding-DNA position 7679, T replaced by C.
Protein change: p.Phe2560Ser; replaces phenylalanine 2560 with serine.
Molecular consequence: missense variant.
Genome position (GRCh38, 1-based): chr13:32,357,803, T>C. VCF-style: chr13-32357803-T-C. GRCh37 (hg19) VCF-style: chr13-32931940-T-C.
Other names: short protein forms F2560S.
Identifiers: ClinVar variation 827190 (VCV000827190.16), dbSNP rs376460800, ClinGen allele CA6941130.